The following is an entry in ClinVar:

ClinVar aggregate classification (germline): Uncertain significance (1 of 4 stars; one submission).

Conditions:
Malignant hyperthermia, susceptibility to, 5 (MHS5). Also called: CACNA1S-Related Malignant Hyperthermia Susceptibility. Identifiers: Orphanet 423, MedGen C1866077, MONDO:0011163, OMIM 601887.

Submission:

All of Us Research Program, National Institutes of Health
Classification: Uncertain significance for Malignant hyperthermia, susceptibility to, 5. Last evaluated: 2023-10-23. Review status: criteria provided, single submitter. Criteria: ACMG Guidelines, 2015. Collection method: clinical testing. Allele origin: germline. Inheritance: Autosomal dominant inheritance. Observed: 1 variant allele, 1 heterozygote.
Comment: This variant results in the in-frame deletion of one amino acid in the CACNA1S protein. To our knowledge, functional studies have not been reported for this variant. This variant has not been reported in individuals affected with CACNA1S-related disorders in the literature. This variant has not been identified in the general population by the Genome Aggregation Database (gnomAD). The available evidence is insufficient to determine the role of this variant in disease conclusively. Therefore, this variant is classified as a Variant of Uncertain Significance.

This study involves interpretation of variants in research participants for the purpose of population health screening. Participant phenotype was not available at the time of variant classification. Additional details can be found in publication PMID: 35346344, PMCID: PMC8962531

NM_000069.3(CACNA1S):c.3832TTC[1] (p.Phe1279del)

Gene: CACNA1S (calcium voltage-gated channel subunit alpha1 S; minus strand). Cytogenetic location: 1q32.1.
Variant type: Microsatellite.
Coding change: c.3832TTC[1] on transcript NM_000069.3 (MANE Select); one copy of the 3-base unit TTC starting at c.3832; the reference has two copies in a row; one copy, 3 bases deleted.
Protein change: p.Phe1279del; deletes phenylalanine 1279.
Molecular consequence: inframe deletion.
Genome position (GRCh38, 1-based): chr1:201,053,233-201,053,235, GAA deleted on the plus strand (TTC on the coding strand, the reverse complement: CACNA1S is on the minus strand); deleting any 3 consecutive bases within chr1:201,053,233-201,053,240 gives the same sequence; the position shown is the placement nearest the transcript's 3' end. VCF-style (leftmost placement, unchanged base first): chr1-201053232-TGAA-T. GRCh37 (hg19) VCF-style: chr1-201022360-TGAA-T.
Other names: short protein forms F1279del.
Identifiers: ClinVar variation 3074061 (VCV003074061.1), dbSNP rs2464458712, ClinGen allele CA2573989937.